The following is an entry in ClinVar:

ClinVar aggregate classification (germline): Uncertain significance. Review status: criteria provided, multiple submitters, no conflicts (2 of 4 stars). 2 submissions from 2 submitters: Uncertain significance (2). Last evaluated 2025-06-25.

Allele frequency attached by ClinVar (database versions not stated): gnomAD 0.00001; TOPMed 0.00001; gnomAD exomes 0.00002.
gnomAD v4.1: 33 of 1,554,104 alleles (0.0021%); highest among the groups gnomAD compares: Non-Finnish European, 0.0026%; no homozygotes.

Submissions (2):

Ambry Genetics
Classification: Uncertain significance. Last evaluated: 2025-06-25. Review status: criteria provided, single submitter. Criteria: Ambry Variant Classification Scheme 2023. Collection method: clinical testing. Allele origin: germline.

Labcorp Genetics (formerly Invitae), Labcorp
Classification: Uncertain significance. Last evaluated: 2025-04-27. Review status: criteria provided, single submitter. Criteria: Invitae Variant Classification Sherloc (09022015). Collection method: clinical testing. Allele origin: germline.
Comment: This sequence change replaces threonine, which is neutral and polar, with alanine, which is neutral and non-polar, at codon 1024 of the TAOK2 protein (p.Thr1024Ala). This variant is present in population databases (no rsID available, gnomAD 0.002%). This variant has not been reported in the literature in individuals affected with TAOK2-related conditions. ClinVar contains an entry for this variant (Variation ID: 2478151). An algorithm developed to predict the effect of missense changes on protein structure and function (PolyPhen-2) suggests that this variant is likely to be tolerated. In summary, the available evidence is currently insufficient to determine the role of this variant in disease. Therefore, it has been classified as a Variant of Uncertain Significance.

NM_016151.4(TAOK2):c.3070A>G (p.Thr1024Ala)

Gene: TAOK2 (TAO kinase 2; plus strand). Cytogenetic location: 16p11.2.
Variant type: single nucleotide variant.
Coding change: c.3070A>G on transcript NM_016151.4 (MANE Select); coding-DNA position 3070, A replaced by G.
Protein change: p.Thr1024Ala; replaces threonine 1024 with alanine.
Molecular consequence: missense variant. On other transcripts: intron variant (1).
Genome position (GRCh38, 1-based): chr16:29,987,342, A>G. VCF-style: chr16-29987342-A-G. GRCh37 (hg19) VCF-style: chr16-29998663-A-G.
Other names: c.2731A>G, p.Thr911Ala (NM_001252043.2); c.2232+838A>G (NM_004783.4); short protein forms T1024A, T911A.
Identifiers: ClinVar variation 2478151 (VCV002478151.4), dbSNP rs1156261345, ClinGen allele CA395498080.